The following is an entry in ClinVar:

NM_003072.5(SMARCA4):c.2072C>T (p.Pro691Leu)

Gene: SMARCA4 (SWI/SNF related BAF chromatin remodeling complex subunit ATPase 4; plus strand). Cytogenetic location: 19p13.2.
Variant type: single nucleotide variant.
Coding change: c.2072C>T on transcript NM_003072.5 (MANE Select); coding-DNA position 2072, C replaced by T.
Protein change: p.Pro691Leu; replaces proline 691 with leucine.
Molecular consequence: missense variant. On other transcripts: non-coding transcript variant (1).
Genome position (GRCh38, 1-based): chr19:11,007,972, C>T. VCF-style: chr19-11007972-C-T. GRCh37 (hg19) VCF-style: chr19-11118648-C-T.
Other names: c.2072C>T, p.Pro691Leu (NM_001128844.3, NM_001128845.2, NM_001128846.2 and 5 more transcripts); short protein forms P691L.
Identifiers: ClinVar variation 1351364 (VCV001351364.6), dbSNP rs2146192320, ClinGen allele CA404052516.

ClinVar aggregate classification (germline): Uncertain significance (1 of 4 stars; one submission).

Conditions:
Rhabdoid tumor predisposition syndrome 2 (RTPS2). Identifiers: Orphanet 231108, Orphanet 69077, MedGen C2750074, MONDO:0013224, OMIM 613325.

Submission:

Labcorp Genetics (formerly Invitae), Labcorp
Classification: Uncertain significance for Rhabdoid tumor predisposition syndrome 2. Last evaluated: 2021-09-15. Review status: criteria provided, single submitter. Criteria: Invitae Variant Classification Sherloc (09022015). Collection method: clinical testing. Allele origin: germline.
Comment: In summary, the available evidence is currently insufficient to determine the role of this variant in disease. Therefore, it has been classified as a Variant of Uncertain Significance. Algorithms developed to predict the effect of missense changes on protein structure and function are either unavailable or do not agree on the potential impact of this missense change (SIFT: "Deleterious"; PolyPhen-2: "Benign"; Align-GVGD: "Class C15"). This variant has not been reported in the literature in individuals affected with SMARCA4-related conditions. This variant is not present in population databases (ExAC no frequency). This sequence change replaces proline with leucine at codon 691 of the SMARCA4 protein (p.Pro691Leu). The proline residue is moderately conserved and there is a moderate physicochemical difference between proline and leucine.